The following is an entry in ClinVar:

ClinVar aggregate classification (germline): Likely pathogenic (1 of 4 stars; one submission).

Submission:

Labcorp Genetics (formerly Invitae), Labcorp
Classification: Likely pathogenic. Last evaluated: 2025-04-08. Review status: criteria provided, single submitter. Criteria: Invitae Variant Classification Sherloc (09022015). Collection method: clinical testing. Allele origin: germline.
Comment: This sequence change affects a donor splice site in intron 4 of the RINT1 gene. It is expected to disrupt RNA splicing. Variants that disrupt the donor or acceptor splice site typically lead to a loss of protein function (PMID: 16199547), and loss-of-function variants in RINT1 are known to be pathogenic (PMID: 31204009). This variant is not present in population databases (gnomAD no frequency). This variant has not been reported in the literature in individuals affected with RINT1-related conditions. ClinVar contains an entry for this variant (Variation ID: 966091). Algorithms developed to predict the effect of sequence changes on RNA splicing suggest that this variant may disrupt the consensus splice site. In summary, the currently available evidence indicates that the variant is pathogenic, but additional data are needed to prove that conclusively. Therefore, this variant has been classified as Likely Pathogenic.

Literature cited by the submitters: PubMed 16199547; PubMed 31204009.

NM_021930.6(RINT1):c.515+2T>C

Gene: RINT1 (RAD50 interactor 1; plus strand). Cytogenetic location: 7q22.3.
Variant type: single nucleotide variant.
Coding change: c.515+2T>C on transcript NM_021930.6 (MANE Select); the canonical splice donor site of the intron after coding-DNA position 515, T replaced by C.
Molecular consequence: splice donor variant.
Genome position (GRCh38, 1-based): chr7:105,542,651, T>C. VCF-style: chr7-105542651-T-C. GRCh37 (hg19) VCF-style: chr7-105183098-T-C.
Other names: c.-505+2T>C (NM_001346600.2); c.-408+2T>C (NM_001346601.2); c.-28+2T>C (NM_001346603.2); c.281+2T>C (NM_001346599.2).
Identifiers: ClinVar variation 966091 (VCV000966091.8), dbSNP rs1790506980, ClinGen allele CA368803964.
Genomic context (GRCh38, chr7:105,542,651, plus strand): 5'-GAAGAGATCGAACGTCATCTTGCTTACCTTAAATGGATTTCACAAATTGAAGAACTAAGG[T>C]AAAATGGGCCTCTTTGTTCTCACAATTACTATTTTCCTTTGAGGCTTCTGTCTTAGAGAG-3'